The following is an entry in ClinVar:

ClinVar aggregate classification (germline): Uncertain significance. Review status: criteria provided, multiple submitters, no conflicts (2 of 4 stars). 2 submissions from 2 submitters: Uncertain significance (2). Last evaluated 2026-01-09.

Conditions:
Glycogen storage disease IXd (GSD9D). Also called: GSD IXd; Muscle Phosphorylase Kinase Deficiency. Identifiers: Orphanet 715, MedGen C1845151, MONDO:0010362, OMIM 300559.
Inborn genetic diseases. Identifiers: MedGen C0950123, MeSH D030342.

Allele frequency attached by ClinVar (database versions not stated): gnomAD 0.00005; gnomAD exomes 0.00006; ExAC 0.00007; TOPMed 0.00008; ESP Exome Variant Server 0.00009.
gnomAD v4.1: 70 of 1,197,655 alleles (0.0058%); highest among the groups gnomAD compares: Non-Finnish European, 0.0074%; no homozygotes.

Submissions (2):

Labcorp Genetics (formerly Invitae), Labcorp
Classification: Uncertain significance for Glycogen storage disease IXd. Last evaluated: 2026-01-09. Review status: criteria provided, single submitter. Criteria: Invitae Variant Classification Sherloc (09022015). Collection method: clinical testing. Allele origin: germline.
Comment: This sequence change replaces aspartic acid, which is acidic and polar, with glycine, which is neutral and non-polar, at codon 1048 of the PHKA1 protein (p.Asp1048Gly). This variant is present in population databases (rs151120187, gnomAD 0.02%). This variant has not been reported in the literature in individuals affected with PHKA1-related conditions. ClinVar contains an entry for this variant (Variation ID: 2146160). An algorithm developed to predict the effect of missense changes on protein structure and function (PolyPhen-2) suggests that this variant is likely to be tolerated. In summary, the available evidence is currently insufficient to determine the role of this variant in disease. Therefore, it has been classified as a Variant of Uncertain Significance.

Ambry Genetics
Classification: Uncertain significance for Inborn genetic diseases. Last evaluated: 2024-02-13. Review status: criteria provided, single submitter. Criteria: Ambry Variant Classification Scheme 2023. Collection method: clinical testing. Allele origin: germline.

NM_002637.4(PHKA1):c.3143A>G (p.Asp1048Gly)

Gene: PHKA1 (phosphorylase kinase regulatory subunit alpha 1; minus strand). Cytogenetic location: Xq13.1.
Variant type: single nucleotide variant.
Coding change: c.3143A>G on transcript NM_002637.4 (MANE Select); coding-DNA position 3143, A replaced by G.
Protein change: p.Asp1048Gly; replaces aspartic acid 1048 with glycine.
Molecular consequence: missense variant.
Genome position (GRCh38, 1-based): chrX:72,593,204, T>C on the plus strand (A>G on the coding strand, the complement: PHKA1 is on the minus strand). VCF-style: chrX-72593204-T-C. GRCh37 (hg19) VCF-style: chrX-71813054-T-C.
Other names: c.3143A>G (NM_002637.3); c.3104A>G, p.Asp1035Gly (NM_001122670.2); c.2927A>G, p.Asp976Gly (NM_001172436.2); short protein forms D976G, D1035G, D1048G.
Identifiers: ClinVar variation 2146160 (VCV002146160.5), dbSNP rs151120187, ClinGen allele CA10450519.
Genomic context (GRCh38, chrX:72,593,204, plus strand): 5'-GGAACTCTATTCAGTGCCCCATCCAGCCTTCTTCGGCGTTGCCATTGACCTTGACGACTA[T>C]CTTTAGATGACTGCTGATCATATGCACTAGGAAAGGACCCACTACTTGGAGTCATAGAGG-3'
Protein context (NP_002628.2, residues 1038-1058): PSAYDQQSSK[Asp1048Gly]SRQGQWQRRR